The following is an entry in ClinVar:

NM_024592.5(SRD5A3):c.*1601G>A

Genes: SRD5A3-AS1 (SRD5A3 antisense RNA 1; minus strand), SRD5A3 (steroid 5 alpha-reductase 3; plus strand). Cytogenetic location: 4q12.
Variant type: single nucleotide variant.
Coding change: c.*1601G>A on transcript NM_024592.5 (MANE Select); 1601 bases downstream of the stop codon, G replaced by A.
Molecular consequence: 3 prime UTR variant.
Genome position (GRCh38, 1-based): chr4:55,371,692, G>A. VCF-style: chr4-55371692-G-A. GRCh37 (hg19) VCF-style: chr4-56237859-G-A.
Identifiers: ClinVar variation 349029 (VCV000349029.5), dbSNP rs111238066, ClinGen allele CA10621260.
Genomic context (GRCh38, chr4:55,371,692, plus strand): 5'-ACTGTTAAACTAAGATTCCTTTGTTTTTTTTGTTTTTTTGAGATGGAGTCTCACTCTGTC[G>A]CCCAGACTGGAGTGCAGTGGTGGGATCCTGGCTCACTGCAACCTCCGCCTTCTGGGTTCC-3'

ClinVar aggregate classification (germline): Benign (1 of 4 stars; one submission).

Conditions:
SRD5A3-congenital disorder of glycosylation. Also called: CDG Iq; COLOBOMA, OCULAR, WITH ICHTHYOSIS, BRAIN MALFORMATIONS, AND ENDOCRINE ABNORMALITIES; Ocular colobomas, ichthyosis, brain malformations and endocrine abnormalities; Congenital disorder of glycosylation type 1Q; SRD5A3-CDG. Identifiers: Orphanet 324737, MedGen C4317224, MONDO:0012885, OMIM 612379.

Allele frequency attached by ClinVar (database versions not stated): 1000 Genomes Project 0.01398; gnomAD 0.01486; TOPMed 0.01531; 1000 Genomes Project 30x 0.01624.

Submission:

Illumina Laboratory Services, Illumina
Classification: Benign for SRD5A3-congenital disorder of glycosylation. Last evaluated: 2018-01-13. Review status: criteria provided, single submitter. Criteria: ICSL Variant Classification Criteria 13 December 2019. Collection method: clinical testing. Allele origin: germline.
Comment: This variant was observed in the ICSL laboratory as part of a predisposition screen in an ostensibly healthy population. It had not been previously curated by ICSL or reported in the Human Gene Mutation Database (HGMD: prior to June 1st, 2018), and was therefore a candidate for classification through an automated scoring system. Utilizing variant allele frequency, disease prevalence and penetrance estimates, and inheritance mode, an automated score was calculated to assess if this variant is too frequent to cause the disease. Based on the score and internal cut-off values, a variant classified as benign is not then subjected to further curation. The score for this variant resulted in a classification of benign for this disease.